The following is an entry in ClinVar:

ClinVar aggregate classification (germline): Benign. Review status: criteria provided, multiple submitters, no conflicts (2 of 4 stars). 4 submissions from 4 submitters: Benign (3). 1 of the submissions does not count toward it. Last evaluated 2026-02-03.

Conditions:
THAP11-related disorder. Also called: THAP11-related condition.

Submissions (4):

Labcorp Genetics (formerly Invitae), Labcorp
Classification: Benign. Last evaluated: 2026-02-03. Review status: criteria provided, single submitter. Criteria: Invitae Variant Classification Sherloc (09022015). Collection method: clinical testing. Allele origin: germline.

Mayo Clinic Laboratories, Mayo Clinic
Classification: Benign. Last evaluated: 2024-12-31. Review status: criteria provided, single submitter. Criteria: ACMG Guidelines, 2015. Collection method: clinical testing. Allele origin: germline. Observed: 35 variant alleles.
Comment: BA1

GeneDx
Classification: Benign. Last evaluated: 2021-05-06. Review status: criteria provided, single submitter. Criteria: GeneDx Variant Classification Process June 2021. Collection method: clinical testing. Allele origin: germline. Affected: yes.

PreventionGenetics, part of Exact Sciences
Classification: Benign for THAP11-related condition. Last evaluated: 2020-08-26. Review status: no assertion criteria provided. Collection method: clinical testing. Allele origin: germline. Not counted in ClinVar's aggregate classification.
Comment: This variant is classified as benign based on ACMG/AMP sequence variant interpretation guidelines (Richards et al. 2015 PMID: 25741868, with internal and published modifications).

NM_020457.3(THAP11):c.367CAG[9] (p.Gln132del)

Genes: CENPT (centromere protein T; minus strand), THAP11 (THAP domain containing 11; plus strand). Cytogenetic location: 16q22.1.
Variant type: Microsatellite.
Coding change: c.367CAG[9] on transcript NM_020457.3 (MANE Select); nine copies in a row of the 3-base unit CAG starting at c.367; the reference has ten copies in a row; one copy, 3 bases deleted; also written c.394_396del.
Protein change: p.Gln132del; deletes glutamine 132.
Molecular consequence: inframe deletion. On other transcripts: intron variant (1).
Genome position (GRCh38, 1-based): chr16:67,842,948-67,842,950, CAG deleted; deleting any 3 consecutive bases within chr16:67,842,921-67,842,950 gives the same sequence; the position shown is the placement nearest the transcript's 3' end. VCF-style (leftmost placement, unchanged base first): chr16-67842920-ACAG-A. GRCh37 (hg19) VCF-style: chr16-67876823-ACAG-A.
Other names: p.Gln132del; c.-492+4451CTG[9] (NM_025082.4); c.394_396delCAG (NM_020457.2); c.394_396del (NM_020457.3); short protein forms Q132del.
Identifiers: ClinVar variation 769902 (VCV000769902.13), dbSNP rs377516180, ClinGen allele CA8118228.